The following is an entry in ClinVar:

ClinVar aggregate classification (germline): Likely benign. Review status: criteria provided, multiple submitters, no conflicts (2 of 4 stars). 2 submissions from 2 submitters: Likely benign (2). Last evaluated 2024-07-29.

Conditions:
Arrhythmogenic right ventricular dysplasia 10. Also called: Arrhythmogenic right ventricular dysplasia/cardiomyopathy, type 10; Arrhythmogenic Right Ventricular Dysplasia/Cardiomyopathy10; ARRHYTHMOGENIC RIGHT VENTRICULAR DYSPLASIA, FAMILIAL, 10. Identifiers: MedGen C1857777, MONDO:0012434, OMIM 610193.
Arrhythmogenic right ventricular cardiomyopathy (ARVD). Also called: Cardiomyopathy, ARVC; Arrhythmogenic right ventricular dysplasia; Arrhythmogenic cardiomyopathy; Arrhythmogenic Right Ventricular Cardiomyopathy (ARVC). Identifiers: Orphanet 247, MedGen C0349788, MeSH D019571, MONDO:0016587. Disease mechanism: loss of function. Inheritance: Various modes of inheritance.

Submissions (2):

All of Us Research Program, National Institutes of Health
Classification: Likely benign for Arrhythmogenic right ventricular cardiomyopathy. Last evaluated: 2024-07-29. Review status: criteria provided, single submitter. Criteria: ACMG Guidelines, 2015. Collection method: clinical testing. Allele origin: germline. Inheritance: Autosomal dominant inheritance. Observed: 1 variant allele, 1 heterozygote.
Comment: This study involves interpretation of variants in research participants for the purpose of population health screening. Participant phenotype was not available at the time of variant classification. Additional details can be found in publication PMID: 35346344, PMCID: PMC8962531

Labcorp Genetics (formerly Invitae), Labcorp
Classification: Likely benign for Arrhythmogenic right ventricular dysplasia 10. Last evaluated: 2022-02-24. Review status: criteria provided, single submitter. Criteria: Invitae Variant Classification Sherloc (09022015). Collection method: clinical testing. Allele origin: germline.

NM_001943.5(DSG2):c.2739T>A (p.Ser913=)

Genes: DSG2 (desmoglein 2; plus strand), DSG2-AS1 (DSG2 antisense RNA 1; minus strand). Cytogenetic location: 18q12.1.
Variant type: single nucleotide variant.
Coding change: c.2739T>A on transcript NM_001943.5 (MANE Select); coding-DNA position 2739, T replaced by A.
Protein change: p.Ser913=; no amino-acid change (serine 913 retained).
Molecular consequence: synonymous variant.
Genome position (GRCh38, 1-based): chr18:31,546,125, T>A. VCF-style: chr18-31546125-T-A. GRCh37 (hg19) VCF-style: chr18-29126088-T-A.
Identifiers: ClinVar variation 1619541 (VCV001619541.9), dbSNP rs2144360064, ClinGen allele CA503766308.